The following is an entry in ClinVar:

NM_000376.3(VDR):c.57C>T (p.Asn19=)

Gene: VDR (vitamin D receptor; minus strand). Cytogenetic location: 12q13.11.
Variant type: single nucleotide variant.
Coding change: c.57C>T on transcript NM_000376.3 (MANE Select); coding-DNA position 57, C replaced by T.
Protein change: p.Asn19=; no amino-acid change (asparagine 19 retained).
Molecular consequence: synonymous variant.
Genome position (GRCh38, 1-based): chr12:47,879,057, G>A on the plus strand (C>T on the coding strand, the complement: VDR is on the minus strand). VCF-style: chr12-47879057-G-A. GRCh37 (hg19) VCF-style: chr12-48272840-G-A.
Other names: p.Asn19=; c.57C>T, p.Asn19= (NM_001017535.2, NM_001364085.2, NM_001374661.1 and 1 more transcripts); c.207C>T, p.Asn69= (NM_001017536.2).
Identifiers: ClinVar variation 882355 (VCV000882355.16), dbSNP rs2228572, ClinGen allele CA6534094.

ClinVar aggregate classification (germline): Benign/Likely benign. Review status: criteria provided, multiple submitters, no conflicts (2 of 4 stars). 6 submissions from 6 submitters: Benign (5); Likely benign (1). Last evaluated 2026-02-04.

Conditions:
Vitamin D-dependent rickets type II with alopecia (VDDR2A). Also called: GENERALIZED RESISTANCE TO 1,25-DIHYDROXYVITAMIN D; HYPOCALCEMIC VITAMIN D-RESISTANT RICKETS; PDDR IIA; PSEUDOVITAMIN D-DEFICIENCY, TYPE IIA; RICKETS, HEREDITARY VITAMIN D-RESISTANT; RICKETS-ALOPECIA SYNDROME. Identifiers: Orphanet 93160, MedGen C0342646, MONDO:0010186, OMIM 277440.

Allele frequency attached by ClinVar (database versions not stated): 1000 Genomes Project 0.02077; gnomAD exomes 0.02087 and 0.02142; 1000 Genomes Project 30x 0.02186; ExAC 0.02188; TOPMed 0.03032; gnomAD 0.03058 and 0.03209; ESP Exome Variant Server 0.03252.
gnomAD v4.1: 36,013 of 1,614,134 alleles (2.2%); highest among the groups gnomAD compares: African/African-American, 5.3%; 497 homozygotes.

Submissions (6):

Labcorp Genetics (formerly Invitae), Labcorp
Classification: Benign. Last evaluated: 2026-02-04. Review status: criteria provided, single submitter. Criteria: Invitae Variant Classification Sherloc (09022015). Collection method: clinical testing. Allele origin: germline.

Blueprint Genetics
Classification: Likely benign. Last evaluated: 2024-11-27. Review status: criteria provided, single submitter. Criteria: ACMG Guidelines, 2015. Collection method: clinical testing. Allele origin: germline.

Mayo Clinic Laboratories, Mayo Clinic
Classification: Benign. Last evaluated: 2022-12-31. Review status: criteria provided, single submitter. Criteria: ACMG Guidelines, 2015. Collection method: clinical testing. Allele origin: germline. Observed: 12 variant alleles.

GeneDx
Classification: Benign. Last evaluated: 2019-01-04. Review status: criteria provided, single submitter. Criteria: GeneDx Variant Classification Process June 2021. Collection method: clinical testing. Allele origin: germline. Affected: yes.

Illumina Laboratory Services, Illumina
Classification: Benign for Vitamin D-dependent rickets type II with alopecia. Last evaluated: 2017-04-27. Review status: criteria provided, single submitter. Criteria: ICSL Variant Classification Criteria 13 December 2019. Collection method: clinical testing. Allele origin: germline.
Comment: This variant was observed as part of a predisposition screen in an ostensibly healthy population. A literature search was performed for the gene, cDNA change, and amino acid change (where applicable). No publications were found based on this search. Allele frequency data from public databases was too high to be consistent with this variant causing disease. Therefore, this variant is classified as benign.

Breakthrough Genomics
Classification: Benign. Review status: criteria provided, single submitter. Criteria: ACMG Guidelines, 2015. Collection method: not provided. Allele origin: germline. Inheritance: Autosomal recessive inheritance. Affected: yes.